The following is an entry in ClinVar:

ClinVar aggregate classification (germline): Pathogenic. Review status: criteria provided, single submitter (1 of 4 stars). 2 submissions from 2 submitters: Pathogenic (1). 1 of the submissions does not count toward it. Last evaluated 2025-04-16.

Submissions (2):

Labcorp Genetics (formerly Invitae), Labcorp
Classification: Pathogenic. Last evaluated: 2025-04-16. Review status: criteria provided, single submitter. Criteria: Invitae Variant Classification Sherloc (09022015). Collection method: clinical testing. Allele origin: germline.
Comment: This sequence change replaces proline, which is neutral and non-polar, with alanine, which is neutral and non-polar, at codon 297 of the BEST1 protein (p.Pro297Ala). This variant is not present in population databases (gnomAD no frequency). This missense change has been observed in individuals with autosomal dominant Best disease (PMID: 9700209; internal data). ClinVar contains an entry for this variant (Variation ID: 99765). Invitae Evidence Modeling of protein sequence and biophysical properties (such as structural, functional, and spatial information, amino acid conservation, physicochemical variation, residue mobility, and thermodynamic stability) indicates that this missense variant is expected to disrupt BEST1 protein function with a positive predictive value of 95%. This variant disrupts the p.Pro297 amino acid residue in BEST1. Other variant(s) that disrupt this residue have been determined to be pathogenic (PMID: 13129869). This suggests that this residue is clinically significant, and that variants that disrupt this residue are likely to be disease-causing. For these reasons, this variant has been classified as Pathogenic.

Retina International
No classification provided. Review status: no classification provided. Collection method: not provided. Allele origin: not provided. Not counted in ClinVar's aggregate classification.

Literature cited by the submitters: PubMed 9700209 (cited by Labcorp Genetics (formerly Invitae), Labcorp); PubMed 13129869 (cited by Labcorp Genetics (formerly Invitae), Labcorp).

NM_004183.4(BEST1):c.889C>G (p.Pro297Ala)

Gene: BEST1 (bestrophin 1; plus strand). Cytogenetic location: 11q12.3.
Variant type: single nucleotide variant.
Coding change: c.889C>G on transcript NM_004183.4 (MANE Select); coding-DNA position 889, C replaced by G.
Protein change: p.Pro297Ala; replaces proline 297 with alanine.
Molecular consequence: missense variant. On other transcripts: synonymous variant (1), non-coding transcript variant (1), intron variant (1).
Genome position (GRCh38, 1-based): chr11:61,959,519, C>G. VCF-style: chr11-61959519-C-G. GRCh37 (hg19) VCF-style: chr11-61726991-C-G.
Other names: c.709C>G, p.Pro237Ala (NM_001139443.3, NM_001300787.2); c.571C>G, p.Pro191Ala (NM_001363591.3); c.1092C>G, p.Thr364= (NM_001363592.2); c.-84C>G (NM_001363593.3); c.688-373C>G (NM_001300786.2); short protein forms P297A, P191A, P237A.
Identifiers: ClinVar variation 99765 (VCV000099765.6), dbSNP rs1805143, ClinGen allele CA227835.